The following is an entry in ClinVar:

ClinVar aggregate classification (germline): Likely pathogenic (1 of 4 stars; one submission).

Conditions:
Dystonia 22, adult-onset (DYT22AO). Identifiers: MedGen C5830658, MONDO:0957542, OMIM 620456.

gnomAD v4.1: 9 of 1,614,082 alleles (0.00056%); highest among the groups gnomAD compares: Non-Finnish European, 0.00068%; no homozygotes.

Submission:

Variantyx, Inc.
Classification: Likely pathogenic for Dystonia 22, adult-onset. Last evaluated: 2025-09-06. Review status: criteria provided, single submitter. Criteria: Variantyx Assertion Criteria 2022. Collection method: clinical testing. Allele origin: germline. Inheritance: Autosomal recessive inheritance. Affected: no.
Comment: This is a nonsense variant in the TSPOAP1 gene (OMIM: 610764). Pathogenic variants in this gene have been associated with autosomal recessive adult-onset dystonia (provisional association). This variant introduces a premature termination codon in exon 7 out of 32 and is expected to result in loss of function, which is a known disease mechanism for TSPOAP1 in this disorder (PVS1) (PMID:33539324). This variant has a 0.0007% maximum allele frequency in non-founder control populations (PM2, and it has not been reported in individuals with TSPOAP1-related disorders in the databases available for review. Based on the current evidence, this variant is classified as likely pathogenic for autosomal recessive adult-onset dystonia (provisional association) .

Literature cited by the submitters: PubMed 33539324.

NM_004758.4(TSPOAP1):c.1090C>T (p.Arg364Ter)

Gene: TSPOAP1 (TSPO associated protein 1; minus strand). Cytogenetic location: 17q22.
Variant type: single nucleotide variant.
Coding change: c.1090C>T on transcript NM_004758.4 (MANE Select); coding-DNA position 1090, C replaced by T.
Protein change: p.Arg364Ter; replaces arginine 364 with a stop codon.
Molecular consequence: nonsense.
Genome position (GRCh38, 1-based): chr17:58,323,312, G>A on the plus strand (C>T on the coding strand, the complement: TSPOAP1 is on the minus strand). VCF-style: chr17-58323312-G-A. GRCh37 (hg19) VCF-style: chr17-56400673-G-A.
Other names: c.1090C>T, p.Arg364Ter (NM_001261835.2); c.910C>T, p.Arg304Ter (NM_024418.3); short protein forms R304*, R364*.
Identifiers: ClinVar variation 4850703 (VCV004850703.1).